The following is an entry in ClinVar:

ClinVar aggregate classification (germline): Uncertain significance. Review status: criteria provided, multiple submitters, no conflicts (2 of 4 stars). 3 submissions from 3 submitters: Uncertain significance (3). Last evaluated 2025-12-01.

Conditions:
Renal cell carcinoma. Identifiers: Orphanet 217071, MedGen C0007134, MeSH D002292, MONDO:0005086, HP:0005584.
Hereditary cancer-predisposing syndrome. Also called: Hereditary neoplastic syndrome; Neoplastic Syndromes, Hereditary; Tumor predisposition; Hereditary Cancer Syndrome. Identifiers: Orphanet 140162, MedGen C0027672, MeSH D009386, MONDO:0015356.

Allele frequency attached by ClinVar (database versions not stated): gnomAD exomes below 0.00001; gnomAD 0.00001; TOPMed 0.00001.
gnomAD v4.1: 3 of 1,613,814 alleles (0.00019%); highest among the groups gnomAD compares: African/African-American, 0.004%; no homozygotes.

Submissions (3):

Labcorp Genetics (formerly Invitae), Labcorp
Classification: Uncertain significance for Renal cell carcinoma. Last evaluated: 2025-12-01. Review status: criteria provided, single submitter. Criteria: Invitae Variant Classification Sherloc (09022015). Collection method: clinical testing. Allele origin: germline.
Comment: This sequence change replaces glutamic acid, which is acidic and polar, with aspartic acid, which is acidic and polar, at codon 34 of the MET protein (p.Glu34Asp). This variant is present in population databases (no rsID available, gnomAD 0.007%). This variant has not been reported in the literature in individuals affected with MET-related conditions. ClinVar contains an entry for this variant (Variation ID: 1003572). Invitae Evidence Modeling of protein sequence and biophysical properties (such as structural, functional, and spatial information, amino acid conservation, physicochemical variation, residue mobility, and thermodynamic stability) indicates that this missense variant is not expected to disrupt MET protein function with a negative predictive value of 80%. In summary, the available evidence is currently insufficient to determine the role of this variant in disease. Therefore, it has been classified as a Variant of Uncertain Significance.

GeneDx
Classification: Uncertain significance. Last evaluated: 2024-12-26. Review status: criteria provided, single submitter. Criteria: GeneDx Variant Classification Process June 2021. Collection method: clinical testing. Allele origin: germline. Affected: yes.
Comment: Not observed at significant frequency in large population cohorts (gnomAD); In silico analysis indicates that this missense variant does not alter protein structure/function; Has not been previously published as pathogenic or benign to our knowledge

Ambry Genetics
Classification: Uncertain significance for Hereditary cancer-predisposing syndrome. Last evaluated: 2024-04-25. Review status: criteria provided, single submitter. Criteria: Ambry Variant Classification Scheme 2023. Collection method: clinical testing. Allele origin: germline.
Comment: The p.E34D variant (also known as c.102G>C), located in coding exon 1 of the MET gene, results from a G to C substitution at nucleotide position 102. The glutamic acid at codon 34 is replaced by aspartic acid, an amino acid with highly similar properties. This amino acid position is conserved. In addition, this alteration is predicted to be tolerated by in silico analysis. Since supporting evidence is limited at this time, the clinical significance of this alteration remains unclear.

NM_000245.4(MET):c.102G>C (p.Glu34Asp)

Gene: MET (MET proto-oncogene, receptor tyrosine kinase; plus strand). Cytogenetic location: 7q31.2.
Variant type: single nucleotide variant.
Coding change: c.102G>C on transcript NM_000245.4 (MANE Select); coding-DNA position 102, G replaced by C.
Protein change: p.Glu34Asp; replaces glutamic acid 34 with aspartic acid.
Molecular consequence: missense variant. On other transcripts: intron variant (1).
Genome position (GRCh38, 1-based): chr7:116,699,186, G>C. VCF-style: chr7-116699186-G-C. GRCh37 (hg19) VCF-style: chr7-116339240-G-C.
Other names: c.102G>C, p.Glu34Asp (NM_001127500.3, NM_001324401.3); c.-91+26609G>C (NM_001324402.2); short protein forms E34D.
Identifiers: ClinVar variation 1003572 (VCV001003572.11), dbSNP rs1296330997, ClinGen allele CA368968343.
Genomic context (GRCh38, chr7:116,699,186, plus strand): 5'-CCTGTTTACCTTGGTGCAGAGGAGCAATGGGGAGTGTAAAGAGGCACTAGCAAAGTCCGA[G>C]ATGAATGTGAATATGAAGTATCAGCTTCCCAACTTCACCGCGGAAACACCCATCCAGAAT-3'
Protein context (NP_000236.2, residues 24-44): GECKEALAKS[Glu34Asp]MNVNMKYQLP